The following is an entry in ClinVar:

NM_000550.3(TYRP1):c.1120C>T (p.Arg374Ter)

Genes: LURAP1L-AS1 (LURAP1L antisense RNA 1; minus strand), TYRP1 (tyrosinase related protein 1; plus strand). Cytogenetic location: 9p23.
Variant type: single nucleotide variant.
Coding change: c.1120C>T on transcript NM_000550.3 (MANE Select); coding-DNA position 1120, C replaced by T.
Protein change: p.Arg374Ter; replaces arginine 374 with a stop codon.
Molecular consequence: nonsense.
Genome position (GRCh38, 1-based): chr9:12,704,564, C>T. VCF-style: chr9-12704564-C-T. GRCh37 (hg19) VCF-style: chr9-12704564-C-T.
Other names: R373*; short protein forms R374*.
Identifiers: ClinVar variation 17595 (VCV000017595.13), dbSNP rs121912778, ClinGen allele CA127294.
Genomic context (GRCh38, chr9:12,704,564, plus strand): 5'-CTCCTCCTTACCATGTGTCTAGGTTACAGTGACCCCACGGGAAAGTATGACCCTGCTGTT[C>T]GAAGTCTTCACAATTTGGCTCATCTATTCCTGAATGGAACAGGGGGACAAACCCATTTGT-3'

ClinVar aggregate classification (germline): Pathogenic/Likely pathogenic. Review status: criteria provided, multiple submitters, no conflicts (2 of 4 stars). 4 submissions from 4 submitters: Pathogenic (2); Likely pathogenic (1). 1 of the submissions does not count toward it. Last evaluated 2024-07-30.

Conditions:
TYRP1-related disorder. Also called: TYRP1-related condition.
Oculocutaneous albinism type 3 (OCA3). Also called: ALBINISM III; Rufous OCA; Rufous albinism; RUFOUS OCULOCUTANEOUS ALBINISM; XANTHISM; Albinism, oculocutaneous, type III. Identifiers: Orphanet 79433, MedGen C0342683, MONDO:0008747, OMIM 203290.
MELANESIAN BLOND HAIR (SHEP11). Also called: Skin/hair/eye pigmentation, variation in, 11; SKIN/HAIR/EYE PIGMENTATION 11, BLUE/NONBLUE EYES. Identifiers: MedGen C2677086, OMIM 612271.

Allele frequency attached by ClinVar (database versions not stated): gnomAD exomes 0.00005 and 0.00003; TOPMed 0.00005; gnomAD 0.00006; ExAC 0.00002.
gnomAD v4.1: 78 of 1,612,786 alleles (0.0048%); highest among the groups gnomAD compares: African/African-American, 0.017%; no homozygotes.

Submissions (4):

Labcorp Genetics (formerly Invitae), Labcorp
Classification: Pathogenic. Last evaluated: 2024-07-30. Review status: criteria provided, single submitter. Criteria: Invitae Variant Classification Sherloc (09022015). Collection method: clinical testing. Allele origin: germline.
Comment: This sequence change creates a premature translational stop signal (p.Arg374*) in the TYRP1 gene. It is expected to result in an absent or disrupted protein product. Loss-of-function variants in TYRP1 are known to be pathogenic (PMID: 8651291, 9345097). This variant is present in population databases (rs121912778, gnomAD 0.02%). This premature translational stop signal has been observed in individual(s) with oculocutaneous albinism type 3 (PMID: 15996218). It has also been observed to segregate with disease in related individuals. This variant is also known as p.R373X (c.1117C>T). ClinVar contains an entry for this variant (Variation ID: 17595). For these reasons, this variant has been classified as Pathogenic.

Fulgent Genetics
Classification: Pathogenic for Oculocutaneous albinism type 3; MELANESIAN BLOND HAIR. Last evaluated: 2024-04-15. Review status: criteria provided, single submitter. Criteria: ACMG Guidelines, 2015. Collection method: clinical testing. Allele origin: germline.

Blueprint Genetics
Classification: Likely pathogenic for TYRP1-related disorders. Last evaluated: 2023-05-30. Review status: criteria provided, single submitter. Criteria: ACMG Guidelines, 2015. Collection method: clinical testing. Allele origin: germline. Affected: yes. Observed: 2 variant alleles.

OMIM
Classification: Pathogenic for ALBINISM, OCULOCUTANEOUS, TYPE III. Last evaluated: 2005-08-01. Review status: no assertion criteria provided. Collection method: literature only. Allele origin: germline. Not counted in ClinVar's aggregate classification.

Literature cited by the submitters: PubMed 8651291 (cited by Labcorp Genetics (formerly Invitae), Labcorp); PubMed 9345097 (cited by Labcorp Genetics (formerly Invitae), Labcorp); PubMed 15996218 (cited by Labcorp Genetics (formerly Invitae), Labcorp and OMIM).